The following is an entry in ClinVar:

ClinVar aggregate classification (germline): Uncertain significance (1 of 4 stars; one submission).

gnomAD v4.1: 23 of 1,540,576 alleles (0.0015%); highest among the groups gnomAD compares: Admixed American, 0.004%; no homozygotes.

Submission:

Labcorp Genetics (formerly Invitae), Labcorp
Classification: Uncertain significance. Last evaluated: 2025-03-17. Review status: criteria provided, single submitter. Criteria: Invitae Variant Classification Sherloc (09022015). Collection method: clinical testing. Allele origin: germline.
Comment: This sequence change replaces proline, which is neutral and non-polar, with threonine, which is neutral and polar, at codon 253 of the DTHD1 protein (p.Pro253Thr). This variant is present in population databases (no rsID available, gnomAD 0.008%). This variant has not been reported in the literature in individuals affected with DTHD1-related conditions. ClinVar contains an entry for this variant (Variation ID: 1476967). An algorithm developed to predict the effect of missense changes on protein structure and function outputs the following: PolyPhen-2: "Benign". The threonine amino acid residue is found in multiple mammalian species, which suggests that this missense change does not adversely affect protein function. In summary, the available evidence is currently insufficient to determine the role of this variant in disease. Therefore, it has been classified as a Variant of Uncertain Significance.

NM_001170700.3(DTHD1):c.1627C>A (p.Pro543Thr)

Gene: DTHD1 (death domain containing 1; plus strand). Cytogenetic location: 4p14.
Variant type: single nucleotide variant.
Coding change: c.1627C>A on transcript NM_001170700.3 (MANE Select); coding-DNA position 1627, C replaced by A.
Protein change: p.Pro543Thr; replaces proline 543 with threonine.
Molecular consequence: missense variant. On other transcripts: non-coding transcript variant (2).
Genome position (GRCh38, 1-based): chr4:36,295,023, C>A. VCF-style: chr4-36295023-C-A. GRCh37 (hg19) VCF-style: chr4-36296645-C-A.
Other names: c.757C>A, p.Pro253Thr (NM_001136536.5); c.694C>A, p.Pro232Thr (NM_001378435.1); short protein forms P232T, P543T, P253T.
Identifiers: ClinVar variation 1476967 (VCV001476967.8), dbSNP rs977339400, ClinGen allele CA95772091.
Genomic context (GRCh38, chr4:36,295,023, plus strand): 5'-AACCTTGGTTCTGAGATAGATCATAAAAGAAGAGCAAGTGCCACAATAAATAGGATTACA[C>A]CTTCGTATTTCAACCGGTGAGTAAGTTTCTAATATTGTAAACTGGCTTAATGTCAAACAA-3'
Protein context (NP_001164171.2, residues 533-553): RASATINRIT[Pro543Thr]SYFNRTKIAS